The following is an entry in ClinVar:

NM_002693.3(POLG):c.856G>C (p.Gly286Arg)

Gene: POLG (DNA polymerase gamma, catalytic subunit; minus strand). Cytogenetic location: 15q26.1.
Variant type: single nucleotide variant.
Coding change: c.856G>C on transcript NM_002693.3 (MANE Select); coding-DNA position 856, G replaced by C.
Protein change: p.Gly286Arg; replaces glycine 286 with arginine.
Molecular consequence: missense variant.
Genome position (GRCh38, 1-based): chr15:89,329,110, C>G on the plus strand (G>C on the coding strand, the complement: POLG is on the minus strand). VCF-style: chr15-89329110-C-G. GRCh37 (hg19) VCF-style: chr15-89872341-C-G.
Other names: c.856G>C, p.Gly286Arg (NM_001126131.2); short protein forms G286R.
Identifiers: ClinVar variation 2116923 (VCV002116923.4), dbSNP rs2509262480, ClinGen allele CA393766250.

ClinVar aggregate classification (germline): Uncertain significance (1 of 4 stars; one submission).

Conditions:
Progressive sclerosing poliodystrophy (MTDPS4A). Also called: Mitochondrial DNA Depletion Syndrome 4A; Alpers-Huttenlocher Syndrome (AHS); ALPERS PROGRESSIVE INFANTILE POLIODYSTROPHY; NEURONAL DEGENERATION OF CHILDHOOD WITH LIVER DISEASE, PROGRESSIVE; Mitochondrial DNA depletion syndrome 4A (Alpers type); Alpers Syndrome. Identifiers: Orphanet 726, MedGen C0205710, MONDO:0008758, OMIM 203700.

Submission:

Labcorp Genetics (formerly Invitae), Labcorp
Classification: Uncertain significance for Progressive sclerosing poliodystrophy. Last evaluated: 2022-03-25. Review status: criteria provided, single submitter. Criteria: Invitae Variant Classification Sherloc (09022015). Collection method: clinical testing. Allele origin: germline.
Comment: This variant has not been reported in the literature in individuals affected with POLG-related conditions. This variant is not present in population databases (gnomAD no frequency). This sequence change replaces glycine, which is neutral and non-polar, with arginine, which is basic and polar, at codon 286 of the POLG protein (p.Gly286Arg). Algorithms developed to predict the effect of missense changes on protein structure and function are either unavailable or do not agree on the potential impact of this missense change (SIFT: "Deleterious"; PolyPhen-2: "Probably Damaging"; Align-GVGD: "Class C0"). In summary, the available evidence is currently insufficient to determine the role of this variant in disease. Therefore, it has been classified as a Variant of Uncertain Significance.